The following is an entry in ClinVar:

ClinVar aggregate classification (germline): Uncertain significance (1 of 4 stars; one submission).

Submission:

Women's Health and Genetics/Laboratory Corporation of America, LabCorp
Classification: Uncertain significance. Last evaluated: 2026-02-11. Review status: criteria provided, single submitter. Criteria: LabCorp Variant Classification Summary - May 2015. Collection method: clinical testing. Allele origin: germline.
Comment: Variant summary: MAN2B2 c.82C>T (p.Arg28Trp) results in a non-conservative amino acid change in the encoded protein sequence. Algorithms developed to predict the effect of missense changes on protein structure and function are either unavailable or do not agree on the potential impact of this missense change. The variant was absent in 178792 control chromosomes. The available data on variant occurrences in the general population are insufficient to allow any conclusion about variant significance. To our knowledge, no occurrence of c.82C>T in individuals affected with MAN2B2-related conditions and no experimental evidence demonstrating its impact on protein function have been reported. No submitters have cited clinical-significance assessments for this variant to ClinVar. Based on the evidence outlined above, the variant was classified as uncertain significance.

NM_015274.3(MAN2B2):c.82C>T (p.Arg28Trp)

Gene: MAN2B2 (mannosidase alpha class 2B member 2; plus strand). Cytogenetic location: 4p16.1.
Variant type: single nucleotide variant.
Coding change: c.82C>T on transcript NM_015274.3 (MANE Select); coding-DNA position 82, C replaced by T.
Protein change: p.Arg28Trp; replaces arginine 28 with tryptophan.
Molecular consequence: missense variant.
Genome position (GRCh38, 1-based): chr4:6,575,292, C>T. VCF-style: chr4-6575292-C-T. GRCh37 (hg19) VCF-style: chr4-6577019-C-T.
Other names: c.82C>T, p.Arg28Trp (NM_001292038.2); short protein forms R28W.
Identifiers: ClinVar variation 4847899 (VCV004847899.1).
Genomic context (GRCh38, chr4:6,575,292, plus strand): 5'-CCGCTGCTGGCACCGCTCCTGTTGCTGCGACCGCCAGGGGTCCAGTCCGCCGGCCCCATC[C>T]GGGCCTTCGTGGTGCCCCACAGCCACATGGACGTGGGCTGGGTCTACACTGTGCAGGTAG-3'
Protein context (NP_056089.1, residues 18-38): PPGVQSAGPI[Arg28Trp]AFVVPHSHMD